The following is an entry in ClinVar:

ClinVar aggregate classification (germline): Likely pathogenic (1 of 4 stars; one submission).

Conditions:
Spermatogenic failure 8 (SPGF8). Identifiers: MedGen C3151406, MONDO:0013504, OMIM 613957.
46,XY sex reversal 3. Also called: NR5A1-related 46,XY complete gonadal dysgenesis; 46,XY SEX REVERSAL, PARTIAL OR COMPLETE, NR5A1-RELATED; 46,XY GONADAL DYSGENESIS, PARTIAL OR COMPLETE, WITH OR WITHOUT ADRENAL FAILURE; DISORDER OF SEX DEVELOPMENT, 46,XY, NR5A1-RELATED; SEX REVERSAL, XY, WITH OR WITHOUT ADRENAL FAILURE. Identifiers: MedGen C3489793, MONDO:0013066, OMIM 612965.
Premature ovarian failure 7 (POF7). Identifiers: MedGen C2751825, MONDO:0013065, OMIM 612964.
46,XX sex reversal 4 (SRXX4). Also called: 46,XX SEX REVERSAL, SRY-NEGATIVE; 46, XX sex reversal 4. Identifiers: MedGen C4479552, MONDO:0060489, OMIM 617480.

Submission:

Molecular Genetics Department, Kulakov National Medical Research Center for Obstetrics, Gynecology and Perinatology
Classification: Likely pathogenic for Premature ovarian failure 7; 46,XY sex reversal 3; Spermatogenic failure 8; 46,XX sex reversal 4. Review status: criteria provided, single submitter. Criteria: ACMG Guidelines, 2015. Collection method: clinical testing. Allele origin: germline. Affected: yes. Observed: 1 variant allele.
Comment: A previously undescribed heterozygous nucleotide variant creates a frameshift p.His177ThrfsTer119 in the NR5A1 gene. Heterozygous variants leading to loss of full-length protein are reported in patients with 46XX sex reversal 4, 617480; 46XY sex reversal 3, 612965; Adrenocortical insufficiency, 612964; Premature ovarian failure 7, 612964; Spermatogenic failure 8, 613957. The variant is not present in population database (gnomAD no frequency). In summary, the currently available evidence indicates that the variant is pathogenic, but additional data are needed to prove that conclusively. Therefore, this variant has been classified as likely pathogenic.

NM_004959.5(NR5A1):c.529del (p.His177fs)

Gene: NR5A1 (nuclear receptor subfamily 5 group A member 1; minus strand). Cytogenetic location: 9q33.3.
Variant type: Deletion.
Coding change: c.529del on transcript NM_004959.5 (MANE Select); coding-DNA position 529, one base deleted (C; older notation c.529delC).
Protein change: p.His177fs; shifts the reading frame from histidine 177.
Molecular consequence: frameshift variant.
Genome position (GRCh38, 1-based): chr9:124,500,431, G deleted on the plus strand (C on the coding strand, the reverse complement: NR5A1 is on the minus strand); the first of 3 consecutive G bases (chr9:124,500,431-124,500,433); deleting any one gives the same sequence. VCF-style (leftmost placement, unchanged base first): chr9-124500430-TG-T. GRCh37 (hg19) VCF-style: chr9-127262709-TG-T.
Other names: short protein forms H177fs.
Identifiers: ClinVar variation 4294444 (VCV004294444.1).